The following is an entry in ClinVar:

NM_001370259.2(MEN1):c.321T>A (p.Pro107=)

Gene: MEN1 (menin 1; minus strand). Cytogenetic location: 11q13.1.
Variant type: single nucleotide variant.
Coding change: c.321T>A on transcript NM_001370259.2 (MANE Select); coding-DNA position 321, T replaced by A.
Protein change: p.Pro107=; no amino-acid change (proline 107 retained).
Molecular consequence: synonymous variant. On other transcripts: non-coding transcript variant (4).
Genome position (GRCh38, 1-based): chr11:64,809,789, A>T on the plus strand (T>A on the coding strand, the complement: MEN1 is on the minus strand). VCF-style: chr11-64809789-A-T. GRCh37 (hg19) VCF-style: chr11-64577261-A-T.
Other names: c.321T>A, p.Pro107= (NM_000244.4, NM_001370251.2, NM_001370260.2 and 20 more transcripts).
Identifiers: ClinVar variation 4085749 (VCV004085749.8).

ClinVar aggregate classification (germline): Likely benign (1 of 4 stars; one submission).

Submission:

CeGaT Center for Human Genetics Tuebingen
Classification: Likely benign. Last evaluated: 2025-08-01. Review status: criteria provided, single submitter. Criteria: CeGaT Center For Human Genetics Tuebingen Variant Classification Criteria Version 2. Collection method: clinical testing. Allele origin: germline. Affected: yes. Observed: 1 variant allele.
Comment: MEN1: PM2:Supporting, BP4, BP7